The following is an entry in ClinVar:

NM_001101426.4(CRPPA):c.*3091C>G

Gene: CRPPA (CDP-L-ribitol pyrophosphorylase A; minus strand). Cytogenetic location: 7p21.2.
Variant type: single nucleotide variant.
Coding change: c.*3091C>G on transcript NM_001101426.4 (MANE Select); 3091 bases downstream of the stop codon, C replaced by G.
Molecular consequence: 3 prime UTR variant. On other transcripts: non-coding transcript variant (1).
Genome position (GRCh38, 1-based): chr7:16,088,604, G>C on the plus strand (C>G on the coding strand, the complement: CRPPA is on the minus strand). VCF-style: chr7-16088604-G-C. GRCh37 (hg19) VCF-style: chr7-16128229-G-C.
Other names: c.*3091C>G (NM_001101417.4, NM_001368197.1).
Identifiers: ClinVar variation 359505 (VCV000359505.5), dbSNP rs552453133, ClinGen allele CA10628695.

ClinVar aggregate classification (germline): Benign (1 of 4 stars; one submission).

Conditions:
Congenital Muscular Dystrophy, alpha-dystroglycan related.

Allele frequency attached by ClinVar (database versions not stated): gnomAD 0.00021 and 0.00107; TOPMed 0.00028; 1000 Genomes Project 0.00759; 1000 Genomes Project 30x 0.00828.

Submission:

Illumina Laboratory Services, Illumina
Classification: Benign for Congenital Muscular Dystrophy, alpha-dystroglycan related. Last evaluated: 2018-01-13. Review status: criteria provided, single submitter. Criteria: ICSL Variant Classification Criteria 13 December 2019. Collection method: clinical testing. Allele origin: germline.
Comment: This variant was observed in the ICSL laboratory as part of a predisposition screen in an ostensibly healthy population. It had not been previously curated by ICSL or reported in the Human Gene Mutation Database (HGMD: prior to June 1st, 2018), and was therefore a candidate for classification through an automated scoring system. Utilizing variant allele frequency, disease prevalence and penetrance estimates, and inheritance mode, an automated score was calculated to assess if this variant is too frequent to cause the disease. Based on the score and internal cut-off values, a variant classified as benign is not then subjected to further curation. The score for this variant resulted in a classification of benign for this disease.